The following is an entry in ClinVar:

ClinVar aggregate classification (germline): Conflicting classifications of pathogenicity. Review status: criteria provided, conflicting classifications (1 of 4 stars). 6 submissions from 6 submitters: Uncertain significance (4); Likely benign (2). Last evaluated 2026-06-13.

Conditions:
Autosomal dominant Alport syndrome (ATS3A). Also called: Renal failure and sensorineural hearing loss; Alport syndrome dominant type; ALPORT SYNDROME 3A, AUTOSOMAL DOMINANT. Identifiers: Orphanet 63, Orphanet 88918, MedGen C5882663, MONDO:0007086, OMIM 104200.
Alport syndrome 3b, autosomal recessive. Identifiers: MedGen C5882699, MONDO:0957811, OMIM 620536.
Hematuria, benign familial, 2 (BFH2). Identifiers: MedGen C5830421, MONDO:0958186, OMIM 620320.
Inborn genetic diseases. Identifiers: MedGen C0950123, MeSH D030342.
COL4A3-related disorder. Also called: COL4A3-Related Disorders; COL4A3-related condition.

Allele frequency attached by ClinVar (database versions not stated): gnomAD exomes 0.00002 and 0.00009; 1000 Genomes Project 30x 0.00016; ExAC 0.00019; 1000 Genomes Project 0.00020; gnomAD 0.00021 and 0.00024; TOPMed 0.00027; ESP Exome Variant Server 0.00051.
gnomAD v4.1: 62 of 1,610,590 alleles (0.0038%); highest among the groups gnomAD compares: African/African-American, 0.077%; no homozygotes.

Submissions (6):

PreventionGenetics, part of Exact Sciences
Classification: Uncertain significance for COL4A3-related condition. Last evaluated: 2026-06-13. Review status: criteria provided, single submitter. Criteria: ACMG Guidelines, 2015. Collection method: clinical testing. Allele origin: germline.
Comment: The COL4A3 c.2168C>T variant is predicted to result in the amino acid substitution p.Pro723Leu. To our knowledge, this variant has not been reported in the literature. This variant is reported in 0.12% of alleles in individuals of African descent in gnomAD. Although we suspect that this variant may be benign, at this time, the clinical significance of this variant is uncertain due to the absence of conclusive functional and genetic evidence.

Labcorp Genetics (formerly Invitae), Labcorp
Classification: Likely benign. Last evaluated: 2026-01-19. Review status: criteria provided, single submitter. Criteria: Invitae Variant Classification Sherloc (09022015). Collection method: clinical testing. Allele origin: germline.

GeneDx
Classification: Uncertain significance. Last evaluated: 2025-07-06. Review status: criteria provided, single submitter. Criteria: GeneDx Variant Classification Process June 2021. Collection method: clinical testing. Allele origin: germline. Affected: yes.
Comment: In silico analysis supports that this missense variant has a deleterious effect on protein structure/function; Occurs in the triple helical domain at the Y position in the canonical Gly-X-Y repeat; although this variant may have an effect on normal protein folding and function, missense substitution at the Y position is not a common mechanism of disease; Has not been previously published as pathogenic or benign to our knowledge

Women's Health and Genetics/Laboratory Corporation of America, LabCorp
Classification: Uncertain significance. Last evaluated: 2024-12-17. Review status: criteria provided, single submitter. Criteria: LabCorp Variant Classification Summary - May 2015. Collection method: clinical testing. Allele origin: germline.
Comment: Variant summary: COL4A3 c.2168C>T (p.Pro723Leu) results in a non-conservative amino acid change in the encoded protein sequence. Five of five in-silico tools predict a damaging effect of the variant on protein function. The variant allele was found at a frequency of 9e-05 in 243518 control chromosomes, predominantly at a frequency of 0.0015 within the African or African-American subpopulation in the gnomAD database. The observed variant frequency within African or African-American control individuals in the gnomAD database is approximately 1 fold of the estimated maximal expected allele frequency for a pathogenic variant in COL4A3 causing Alport Syndrome, Autosomal Recessive phenotype (0.0014). To our knowledge, no occurrence of c.2168C>T in individuals affected with Alport Syndrome, Autosomal Recessive and no experimental evidence demonstrating its impact on protein function have been reported. ClinVar contains an entry for this variant (Variation ID: 1327231). Based on the evidence outlined above, the variant was classified as VUS-possibly benign.

Ambry Genetics
Classification: Uncertain significance for Inborn genetic diseases. Last evaluated: 2024-05-15. Review status: criteria provided, single submitter. Criteria: Ambry Variant Classification Scheme 2023. Collection method: clinical testing. Allele origin: germline.

Fulgent Genetics
Classification: Likely benign for Autosomal dominant Alport syndrome; Hematuria, benign familial, 2; Alport syndrome 3b, autosomal recessive. Last evaluated: 2024-04-20. Review status: criteria provided, single submitter. Criteria: ACMG Guidelines, 2015. Collection method: clinical testing. Allele origin: germline.

NM_000091.5(COL4A3):c.2168C>T (p.Pro723Leu)

Genes: COL4A3 (collagen type IV alpha 3 chain; plus strand), MFF-DT (MFF divergent transcript; minus strand). Cytogenetic location: 2q36.3.
Variant type: single nucleotide variant.
Coding change: c.2168C>T on transcript NM_000091.5 (MANE Select); coding-DNA position 2168, C replaced by T.
Protein change: p.Pro723Leu; replaces proline 723 with leucine.
Molecular consequence: missense variant.
Genome position (GRCh38, 1-based): chr2:227,279,835, C>T. VCF-style: chr2-227279835-C-T. GRCh37 (hg19) VCF-style: chr2-228144551-C-T.
Other names: short protein forms P723L.
Identifiers: ClinVar variation 1327231 (VCV001327231.15), dbSNP rs201198284, ClinGen allele CA2146880.